The following is an entry in ClinVar:

NM_000245.4(MET):c.422G>T (p.Cys141Phe)

Gene: MET (MET proto-oncogene, receptor tyrosine kinase; plus strand). Cytogenetic location: 7q31.2.
Variant type: single nucleotide variant.
Coding change: c.422G>T on transcript NM_000245.4 (MANE Select); coding-DNA position 422, G replaced by T.
Protein change: p.Cys141Phe; replaces cysteine 141 with phenylalanine.
Molecular consequence: missense variant. On other transcripts: intron variant (1).
Genome position (GRCh38, 1-based): chr7:116,699,506, G>T. VCF-style: chr7-116699506-G-T. GRCh37 (hg19) VCF-style: chr7-116339560-G-T.
Other names: c.422G>T, p.Cys141Phe (NM_001127500.3, NM_001324401.3); c.-91+26929G>T (NM_001324402.2); short protein forms C141F.
Identifiers: ClinVar variation 4716810 (VCV004716810.1).

ClinVar aggregate classification (germline): Uncertain significance (1 of 4 stars; one submission).

Conditions:
Renal cell carcinoma. Identifiers: Orphanet 217071, MedGen C0007134, MeSH D002292, MONDO:0005086, HP:0005584.

Submission:

Labcorp Genetics (formerly Invitae), Labcorp
Classification: Uncertain significance for Renal cell carcinoma. Last evaluated: 2025-05-07. Review status: criteria provided, single submitter. Criteria: Invitae Variant Classification Sherloc (09022015). Collection method: clinical testing. Allele origin: germline.
Comment: This sequence change replaces cysteine, which is neutral and slightly polar, with phenylalanine, which is neutral and non-polar, at codon 141 of the MET protein (p.Cys141Phe). This variant is not present in population databases (gnomAD no frequency). This variant has not been reported in the literature in individuals affected with MET-related conditions. Invitae Evidence Modeling of protein sequence and biophysical properties (such as structural, functional, and spatial information, amino acid conservation, physicochemical variation, residue mobility, and thermodynamic stability) indicates that this missense variant is expected to disrupt MET protein function with a positive predictive value of 80%. In summary, the available evidence is currently insufficient to determine the role of this variant in disease. Therefore, it has been classified as a Variant of Uncertain Significance.